The following is an entry in ClinVar:

NM_001034853.2(RPGR):c.467C>G (p.Thr156Ser)

Gene: RPGR (retinitis pigmentosa GTPase regulator; minus strand). Cytogenetic location: Xp11.4.
Variant type: single nucleotide variant.
Coding change: c.467C>G on transcript NM_001034853.2 (MANE Select); coding-DNA position 467, C replaced by G.
Protein change: p.Thr156Ser; replaces threonine 156 with serine.
Molecular consequence: missense variant. On other transcripts: non-coding transcript variant (6).
Genome position (GRCh38, 1-based): chrX:38,318,831, G>C on the plus strand (C>G on the coding strand, the complement: RPGR is on the minus strand). VCF-style: chrX-38318831-G-C. GRCh37 (hg19) VCF-style: chrX-38178084-G-C.
Other names: c.464C>G, p.Thr155Ser (NM_001367249.1); c.467C>G, p.Thr156Ser (NM_001367250.1, NM_001367251.1, NM_000328.3 and 3 more transcripts); c.497C>G, p.Thr166Ser (NM_001367248.1); short protein forms T155S, T156S, T166S.
Identifiers: ClinVar variation 3616418 (VCV003616418.2).

ClinVar aggregate classification (germline): Uncertain significance (1 of 4 stars; one submission).

Conditions:
Primary ciliary dyskinesia. Also called: Ciliary dyskinesia. Identifiers: Orphanet 244, MedGen C0008780, MONDO:0016575, HP:0012265.

gnomAD v4.1: 2 of 1,211,662 alleles (0.00017%); highest among the groups gnomAD compares: Non-Finnish European, 0.00022%; no homozygotes.

Submission:

Labcorp Genetics (formerly Invitae), Labcorp
Classification: Uncertain significance for Primary ciliary dyskinesia. Last evaluated: 2024-07-06. Review status: criteria provided, single submitter. Criteria: Invitae Variant Classification Sherloc (09022015). Collection method: clinical testing. Allele origin: germline.
Comment: This sequence change replaces threonine, which is neutral and polar, with serine, which is neutral and polar, at codon 156 of the RPGR protein (p.Thr156Ser). This variant is not present in population databases (gnomAD no frequency). This variant has not been reported in the literature in individuals affected with RPGR-related conditions. Advanced modeling of protein sequence and biophysical properties (such as structural, functional, and spatial information, amino acid conservation, physicochemical variation, residue mobility, and thermodynamic stability) performed at Invitae indicates that this missense variant is not expected to disrupt RPGR protein function with a negative predictive value of 95%. In summary, the available evidence is currently insufficient to determine the role of this variant in disease. Therefore, it has been classified as a Variant of Uncertain Significance.